The following is an entry in ClinVar:

ClinVar aggregate classification (germline): Uncertain significance (1 of 4 stars; one submission).

Allele frequency attached by ClinVar (database versions not stated): gnomAD exomes below 0.00001; ExAC 0.00001; gnomAD 0.00001.
gnomAD v4.1: 6 of 1,613,160 alleles (0.00037%); highest among the groups gnomAD compares: Admixed American, 0.0084%; no homozygotes.

Submission:

Labcorp Genetics (formerly Invitae), Labcorp
Classification: Uncertain significance. Last evaluated: 2025-06-16. Review status: criteria provided, single submitter. Criteria: Invitae Variant Classification Sherloc (09022015). Collection method: clinical testing. Allele origin: germline.
Comment: This sequence change replaces glutamic acid, which is acidic and polar, with glutamine, which is neutral and polar, at codon 779 of the ERBIN protein (p.Glu779Gln). This variant is present in population databases (rs774255173, gnomAD 0.003%). This variant has not been reported in the literature in individuals affected with ERBIN-related conditions. ClinVar contains an entry for this variant (Variation ID: 1445374). An algorithm developed to predict the effect of missense changes on protein structure and function (PolyPhen-2) suggests that this variant is likely to be tolerated. Algorithms developed to predict the effect of sequence changes on RNA splicing suggest that this variant may create or strengthen a splice site. In summary, the available evidence is currently insufficient to determine the role of this variant in disease. Therefore, it has been classified as a Variant of Uncertain Significance.

NM_001253697.2(ERBIN):c.2335G>C (p.Glu779Gln)

Gene: ERBIN (erbb2 interacting protein; plus strand). Cytogenetic location: 5q12.3.
Variant type: single nucleotide variant.
Coding change: c.2335G>C on transcript NM_001253697.2 (MANE Select); coding-DNA position 2335, G replaced by C.
Protein change: p.Glu779Gln; replaces glutamic acid 779 with glutamine.
Molecular consequence: missense variant.
Genome position (GRCh38, 1-based): chr5:66,053,653, G>C. VCF-style: chr5-66053653-G-C. GRCh37 (hg19) VCF-style: chr5-65349481-G-C.
Other names: c.2335G>C, p.Glu779Gln (NM_001006600.3, NM_001253698.2, NM_001253699.2 and 1 more transcripts); c.2323G>C, p.Glu775Gln (NM_001253701.2); short protein forms E775Q, E779Q.
Identifiers: ClinVar variation 1445374 (VCV001445374.6), dbSNP rs774255173, ClinGen allele CA3286466.
Genomic context (GRCh38, chr5:66,053,653, plus strand): 5'-AAATTAGATCATATCAATATGAATCTTAATAAACTTATAACTAATGATACATTTCAACCA[G>C]AGATCATGGAAAGATCAAAAACACAGGATATTGTGCTTGGAACAAGCTTTTTAAGCATTA-3'
Protein context (NP_001240626.1, residues 769-789): KLITNDTFQP[Glu779Gln]IMERSKTQDI